The following is an entry in ClinVar:

ClinVar aggregate classification (germline): Likely benign (0 of 4 stars; one submission).

Conditions:
ADCY3-related disorder. Also called: ADCY3-related condition.

Allele frequency attached by ClinVar (database versions not stated): gnomAD exomes below 0.00001; TOPMed below 0.00001; ExAC 0.00001; gnomAD 0.00001.
gnomAD v4.1: 5 of 1,614,054 alleles (0.00031%); highest among the groups gnomAD compares: Non-Finnish European, 0.00042%; no homozygotes.

Submission:

PreventionGenetics, part of Exact Sciences
Classification: Likely benign for ADCY3-related condition. Last evaluated: 2023-11-01. Review status: no assertion criteria provided. Collection method: clinical testing. Allele origin: germline.
Comment: This variant is classified as likely benign based on ACMG/AMP sequence variant interpretation guidelines (Richards et al. 2015 PMID: 25741868, with internal and published modifications).

NM_004036.5(ADCY3):c.2598A>G (p.Thr866=)

Gene: ADCY3 (adenylate cyclase 3; minus strand). Cytogenetic location: 2p23.3.
Variant type: single nucleotide variant.
Coding change: c.2598A>G on transcript NM_004036.5 (MANE Select); coding-DNA position 2598, A replaced by G.
Protein change: p.Thr866=; no amino-acid change (threonine 866 retained).
Molecular consequence: synonymous variant.
Genome position (GRCh38, 1-based): chr2:24,824,516, T>C on the plus strand (A>G on the coding strand, the complement: ADCY3 is on the minus strand). VCF-style: chr2-24824516-T-C. GRCh37 (hg19) VCF-style: chr2-25047385-T-C.
Other names: c.2601A>G, p.Thr867= (NM_001320613.2); c.2664A>G, p.Thr888= (NM_001377128.1); c.2460A>G, p.Thr820= (NM_001377129.1); c.2193A>G, p.Thr731= (NM_001377130.1); c.1875A>G, p.Thr625= (NM_001377131.1); c.2598A>G, p.Thr866= (NM_001377132.1).
Identifiers: ClinVar variation 3052723 (VCV003052723.2), dbSNP rs766627903, ClinGen allele CA1553665.